The following is an entry in ClinVar:

ClinVar aggregate classification (germline): Uncertain significance. Review status: criteria provided, multiple submitters, no conflicts (2 of 4 stars). 3 submissions from 3 submitters: Uncertain significance (3). Last evaluated 2025-09-11.

Conditions:
TUBGCP6-related disorder. Also called: TUBGCP6-related condition.
Inborn genetic diseases. Identifiers: MedGen C0950123, MeSH D030342.

Allele frequency attached by ClinVar (database versions not stated): gnomAD 0.00004 and 0.00005; TOPMed 0.00006; ESP Exome Variant Server 0.00008; 1000 Genomes Project 30x 0.00016.

Submissions (3):

PreventionGenetics, part of Exact Sciences
Classification: Uncertain significance for TUBGCP6-related condition. Last evaluated: 2025-09-11. Review status: criteria provided, single submitter. Criteria: ACMG Guidelines, 2015. Collection method: clinical testing. Allele origin: germline.
Comment: The TUBGCP6 c.5132G>A variant is predicted to result in the amino acid substitution p.Arg1711His. To our knowledge, this variant has not been reported in the literature. This variant is reported in 0.016% of alleles in individuals of South Asian descent in gnomAD. At this time, the clinical significance of this variant is uncertain due to the absence of conclusive functional and genetic evidence.

Labcorp Genetics (formerly Invitae), Labcorp
Classification: Uncertain significance. Last evaluated: 2025-04-16. Review status: criteria provided, single submitter. Criteria: Invitae Variant Classification Sherloc (09022015). Collection method: clinical testing. Allele origin: germline.
Comment: This sequence change replaces arginine, which is basic and polar, with histidine, which is basic and polar, at codon 1711 of the TUBGCP6 protein (p.Arg1711His). This variant is present in population databases (rs373160527, gnomAD 0.02%). This variant has not been reported in the literature in individuals affected with TUBGCP6-related conditions. ClinVar contains an entry for this variant (Variation ID: 1022784). An algorithm developed to predict the effect of missense changes on protein structure and function (PolyPhen-2) suggests that this variant is likely to be disruptive. In summary, the available evidence is currently insufficient to determine the role of this variant in disease. Therefore, it has been classified as a Variant of Uncertain Significance.

Ambry Genetics
Classification: Uncertain significance for Inborn genetic diseases. Last evaluated: 2025-04-13. Review status: criteria provided, single submitter. Criteria: Ambry Variant Classification Scheme 2023. Collection method: clinical testing. Allele origin: germline.

NM_020461.4(TUBGCP6):c.5132G>A (p.Arg1711His)

Gene: TUBGCP6 (tubulin gamma complex component 6; minus strand). Cytogenetic location: 22q13.33.
Variant type: single nucleotide variant.
Coding change: c.5132G>A on transcript NM_020461.4 (MANE Select); coding-DNA position 5132, G replaced by A.
Protein change: p.Arg1711His; replaces arginine 1711 with histidine.
Molecular consequence: missense variant.
Genome position (GRCh38, 1-based): chr22:50,218,225, C>T on the plus strand (G>A on the coding strand, the complement: TUBGCP6 is on the minus strand). VCF-style: chr22-50218225-C-T. GRCh37 (hg19) VCF-style: chr22-50656654-C-T.
Other names: c.5132G>A (NM_020461.3); short protein forms R1711H.
Identifiers: ClinVar variation 1022784 (VCV001022784.11), dbSNP rs373160527, ClinGen allele CA10307168.